The following is an entry in ClinVar:

ClinVar aggregate classification (germline): Likely benign. Review status: criteria provided, multiple submitters, no conflicts (2 of 4 stars). 2 submissions from 2 submitters: Likely benign (2). Last evaluated 2018-01-12.

Conditions:
Congenital generalized lipodystrophy type 4. Also called: BERARDINELLI-SEIP CONGENITAL LIPODYSTROPHY, TYPE 4, WITH MUSCULAR DYSTROPHY. Identifiers: Orphanet 228429, MedGen C2750069, MONDO:0013225, OMIM 613327.

Allele frequency attached by ClinVar (database versions not stated): 1000 Genomes Project 0.00220; 1000 Genomes Project 30x 0.00265; TOPMed 0.00516; gnomAD 0.00520 and 0.00541.

Submissions (2):

Illumina Laboratory Services, Illumina
Classification: Likely benign for Congenital generalized lipodystrophy type 4. Last evaluated: 2018-01-12. Review status: criteria provided, single submitter. Criteria: ICSL Variant Classification Criteria 13 December 2019. Collection method: clinical testing. Allele origin: germline.
Comment: This variant was observed in the ICSL laboratory as part of a predisposition screen in an ostensibly healthy population. It had not been previously curated by ICSL or reported in the Human Gene Mutation Database (HGMD: prior to June 1st, 2018), and was therefore a candidate for classification through an automated scoring system. Utilizing variant allele frequency, disease prevalence and penetrance estimates, and inheritance mode, an automated score was calculated to assess if this variant is too frequent to cause the disease. Based on the score and internal cut-off values, a variant classified as likely benign is not then subjected to further curation. The score for this variant resulted in a classification of likely benign for this disease.

Breakthrough Genomics
Classification: Likely benign. Review status: criteria provided, single submitter. Criteria: ACMG Guidelines, 2015. Collection method: not provided. Allele origin: germline. Inheritance: Autosomal recessive inheritance. Affected: yes.

NM_012232.6(CAVIN1):c.*1508G>A

Gene: CAVIN1 (caveolae associated protein 1; minus strand). Cytogenetic location: 17q21.2.
Variant type: single nucleotide variant.
Coding change: c.*1508G>A on transcript NM_012232.6 (MANE Select); 1508 bases downstream of the stop codon, G replaced by A.
Molecular consequence: 3 prime UTR variant.
Genome position (GRCh38, 1-based): chr17:42,403,179, C>T on the plus strand (G>A on the coding strand, the complement: CAVIN1 is on the minus strand). VCF-style: chr17-42403179-C-T. GRCh37 (hg19) VCF-style: chr17-40555197-C-T.
Identifiers: ClinVar variation 323261 (VCV000323261.6), dbSNP rs117596331, ClinGen allele CA10639674.